The following is an entry in ClinVar:

ClinVar aggregate classification (germline): Uncertain significance. Review status: criteria provided, multiple submitters, no conflicts (2 of 4 stars). 2 submissions from 2 submitters: Uncertain significance (2). Last evaluated 2025-11-17.

Conditions:
Renal cell carcinoma. Identifiers: Orphanet 217071, MedGen C0007134, MeSH D002292, MONDO:0005086, HP:0005584.
Hereditary cancer-predisposing syndrome. Also called: Tumor predisposition; Hereditary neoplastic syndrome; Neoplastic Syndromes, Hereditary; Hereditary Cancer Syndrome. Identifiers: Orphanet 140162, MedGen C0027672, MeSH D009386, MONDO:0015356.

Allele frequency attached by ClinVar (database versions not stated): gnomAD exomes below 0.00001.
gnomAD v4.1: 3 of 1,613,304 alleles (0.00019%); highest among the groups gnomAD compares: Non-Finnish European, 0.00017%; no homozygotes.

Submissions (2):

Labcorp Genetics (formerly Invitae), Labcorp
Classification: Uncertain significance for Renal cell carcinoma. Last evaluated: 2025-11-17. Review status: criteria provided, single submitter. Criteria: Invitae Variant Classification Sherloc (09022015). Collection method: clinical testing. Allele origin: germline.
Comment: This sequence change replaces glutamine, which is neutral and polar, with glutamic acid, which is acidic and polar, at codon 1029 of the MET protein (p.Gln1029Glu). This variant is not present in population databases (gnomAD no frequency). This variant has not been reported in the literature in individuals affected with MET-related conditions. ClinVar contains an entry for this variant (Variation ID: 664115). An algorithm developed to predict the effect of missense changes on protein structure and function (PolyPhen-2) suggests that this variant is likely to be tolerated. In summary, the available evidence is currently insufficient to determine the role of this variant in disease. Therefore, it has been classified as a Variant of Uncertain Significance.

Ambry Genetics
Classification: Uncertain significance for Hereditary cancer-predisposing syndrome. Last evaluated: 2025-08-31. Review status: criteria provided, single submitter. Criteria: Ambry Variant Classification Scheme 2023. Collection method: clinical testing. Allele origin: germline.
Comment: The p.Q1029E variant (also known as c.3085C>G), located in coding exon 14 of the MET gene, results from a C to G substitution at nucleotide position 3085. The glutamine at codon 1029 is replaced by glutamic acid, an amino acid with highly similar properties. This amino acid position is well conserved in available vertebrate species. In addition, this alteration is predicted to be tolerated by in silico analysis. Since supporting evidence is limited at this time, the clinical significance of this alteration remains unclear.

NM_000245.4(MET):c.3031C>G (p.Gln1011Glu)

Gene: MET (MET proto-oncogene, receptor tyrosine kinase; plus strand). Cytogenetic location: 7q31.2.
Variant type: single nucleotide variant.
Coding change: c.3031C>G on transcript NM_000245.4 (MANE Select); coding-DNA position 3031, C replaced by G.
Protein change: p.Gln1011Glu; replaces glutamine 1011 with glutamic acid.
Molecular consequence: missense variant.
Genome position (GRCh38, 1-based): chr7:116,774,883, C>G. VCF-style: chr7-116774883-C-G. GRCh37 (hg19) VCF-style: chr7-116414937-C-G.
Other names: c.3085C>G (LRG_662t1); c.3085C>G, p.Gln1029Glu (NM_001127500.3); c.1741C>G, p.Gln581Glu (NM_001324402.2); short protein forms Q1011E, Q1029E, Q581E.
Identifiers: ClinVar variation 664115 (VCV000664115.14), dbSNP rs1584957663, ClinGen allele CA368987748.